The following is an entry in ClinVar:

NM_001012759.3(CTU2):c.454-6C>T

Gene: CTU2 (cytosolic thiouridylase subunit 2; plus strand). Cytogenetic location: 16q24.3.
Variant type: single nucleotide variant.
Coding change: c.454-6C>T on transcript NM_001012759.3 (MANE Select); 6 bases into the intron before coding-DNA position 454, C replaced by T.
Molecular consequence: intron variant.
Genome position (GRCh38, 1-based): chr16:88,712,616, C>T. VCF-style: chr16-88712616-C-T. GRCh37 (hg19) VCF-style: chr16-88779024-C-T.
Other names: c.667-6C>T (NM_001318507.2); c.454-6C>T (NM_001012762.3); c.193-6C>T (NM_001318513.2).
Identifiers: ClinVar variation 3050224 (VCV003050224.2), dbSNP rs551897407, ClinGen allele CA8230346.

ClinVar aggregate classification (germline): Likely benign (0 of 4 stars; one submission).

Conditions:
CTU2-related disorder. Also called: CTU2-related condition.

Allele frequency attached by ClinVar (database versions not stated): 1000 Genomes Project 0.00020; 1000 Genomes Project 30x 0.00031; gnomAD 0.00001; TOPMed 0.00001; ExAC 0.00009.
gnomAD v4.1: 34 of 1,608,490 alleles (0.0021%); highest among the groups gnomAD compares: Admixed American, 0.0084%; no homozygotes.

Submission:

PreventionGenetics, part of Exact Sciences
Classification: Likely benign for CTU2-related condition. Last evaluated: 2019-07-10. Review status: no assertion criteria provided. Collection method: clinical testing. Allele origin: germline.
Comment: This variant is classified as likely benign based on ACMG/AMP sequence variant interpretation guidelines (Richards et al. 2015 PMID: 25741868, with internal and published modifications).